The following is an entry in ClinVar:

ClinVar aggregate classification (germline): Uncertain significance (1 of 4 stars; one submission).

gnomAD v4.1: 33 of 1,612,720 alleles (0.002%); highest among the groups gnomAD compares: Non-Finnish European, 0.0026%; no homozygotes.

Submission:

Labcorp Genetics (formerly Invitae), Labcorp
Classification: Uncertain significance. Last evaluated: 2024-11-05. Review status: criteria provided, single submitter. Criteria: Invitae Variant Classification Sherloc (09022015). Collection method: clinical testing. Allele origin: germline.
Comment: This sequence change replaces proline, which is neutral and non-polar, with leucine, which is neutral and non-polar, at codon 908 of the MAGI2 protein (p.Pro908Leu). This variant is present in population databases (rs150080418, gnomAD 0.004%). This variant has not been reported in the literature in individuals affected with MAGI2-related conditions. ClinVar contains an entry for this variant (Variation ID: 1356388). An algorithm developed to predict the effect of missense changes on protein structure and function (PolyPhen-2) suggests that this variant is likely to be tolerated. In summary, the available evidence is currently insufficient to determine the role of this variant in disease. Therefore, it has been classified as a Variant of Uncertain Significance.

NM_012301.4(MAGI2):c.2723C>T (p.Pro908Leu)

Gene: MAGI2 (membrane associated guanylate kinase, WW and PDZ domain containing 2; minus strand). Cytogenetic location: 7q21.11.
Variant type: single nucleotide variant.
Coding change: c.2723C>T on transcript NM_012301.4 (MANE Select); coding-DNA position 2723, C replaced by T.
Protein change: p.Pro908Leu; replaces proline 908 with leucine.
Molecular consequence: missense variant.
Genome position (GRCh38, 1-based): chr7:78,160,147, G>A on the plus strand (C>T on the coding strand, the complement: MAGI2 is on the minus strand). VCF-style: chr7-78160147-G-A. GRCh37 (hg19) VCF-style: chr7-77789464-G-A.
Other names: c.2681C>T, p.Pro894Leu (NM_001301128.2); short protein forms P894L, P908L.
Identifiers: ClinVar variation 1356388 (VCV001356388.6), dbSNP rs150080418, ClinGen allele CA4313682.
Genomic context (GRCh38, chr7:78,160,147, plus strand): 5'-TTCTCTTTGCGGTGAATGACCACATCACTGGTCTGCAGGCTGTGGGAGGCGAAGCCTTCA[G>A]GGGGAGAGGCATTGCTACTGGGGGCAGCGTGGTTGCTGTTGGTGTAGGTTGCGTAGTCAC-3'
Protein context (NP_036433.2, residues 898-918): HAAPSSNASP[Pro908Leu]EGFASHSLQT